The following is an entry in ClinVar:

ClinVar aggregate classification (germline): Pathogenic (1 of 4 stars; one submission).

Conditions:
Birt-Hogg-Dube syndrome. Also called: Birt Hogg Dubé syndrome. Identifiers: Orphanet 122, MedGen C0346010, MONDO:0800444.

Submission:

Labcorp Genetics (formerly Invitae), Labcorp
Classification: Pathogenic for Birt-Hogg-Dube syndrome. Last evaluated: 2024-08-10. Review status: criteria provided, single submitter. Criteria: Invitae Variant Classification Sherloc (09022015). Collection method: clinical testing. Allele origin: germline.
Comment: This sequence change creates a premature translational stop signal (p.Ala445Hisfs*23) in the FLCN gene. It is expected to result in an absent or disrupted protein product. Loss-of-function variants in FLCN are known to be pathogenic (PMID: 15852235). This variant is not present in population databases (gnomAD no frequency). This variant has not been reported in the literature in individuals affected with FLCN-related conditions. For these reasons, this variant has been classified as Pathogenic.

Literature cited by the submitters: PubMed 15852235.

NM_144997.7(FLCN):c.1332del (p.Ala445fs)

Gene: FLCN (folliculin; minus strand). Cytogenetic location: 17p11.2.
Variant type: Deletion.
Coding change: c.1332del on transcript NM_144997.7 (MANE Select); coding-DNA position 1332, one base deleted (C; older notation c.1332delC).
Protein change: p.Ala445fs; shifts the reading frame from alanine 445.
Molecular consequence: frameshift variant.
Genome position (GRCh38, 1-based): chr17:17,215,285, G deleted on the plus strand (C on the coding strand, the reverse complement: FLCN is on the minus strand); the first of 2 consecutive G bases (chr17:17,215,285-17,215,286); deleting either gives the same sequence. VCF-style (leftmost placement, unchanged base first): chr17-17215284-CG-C. GRCh37 (hg19) VCF-style: chr17-17118598-CG-C.
Other names: c.1386del, p.Ala463fs (NM_001353229.2); c.1332del, p.Ala445fs (NM_001353230.2, NM_001353231.2); short protein forms A463fs, A445fs.
Identifiers: ClinVar variation 3647384 (VCV003647384.2).